The following is an entry in ClinVar:

NM_002755.4(MAP2K1):c.767T>C (p.Met256Thr)

Gene: MAP2K1 (mitogen-activated protein kinase kinase 1; plus strand). Cytogenetic location: 15q22.31.
Variant type: single nucleotide variant.
Coding change: c.767T>C on transcript NM_002755.4 (MANE Select); coding-DNA position 767, T replaced by C.
Protein change: p.Met256Thr; replaces methionine 256 with threonine.
Molecular consequence: missense variant.
Genome position (GRCh38, 1-based): chr15:66,485,063, T>C. VCF-style: chr15-66485063-T-C. GRCh37 (hg19) VCF-style: chr15-66777401-T-C.
Other names: c.623T>C, p.Met208Thr (NM_001411065.1); short protein forms M208T, M256T.
Identifiers: ClinVar variation 2572546 (VCV002572546.1), dbSNP rs1326401609, ClinGen allele CA392937094.

ClinVar aggregate classification (germline): Likely pathogenic (1 of 4 stars; one submission).

Conditions:
Cardiofaciocutaneous syndrome 3 (CFC3). Also called: MAP2K1-Related Cardiofaciocutaneous Syndrome. Identifiers: Orphanet 1340, MedGen C3809006, MONDO:0014113, OMIM 615279.

Allele frequency attached by ClinVar (database versions not stated): gnomAD exomes below 0.00001.
gnomAD v4.1: 1 of 1,613,924 alleles (0.000062%); highest among the groups gnomAD compares: South Asian, 0.0011%; no homozygotes.

Submission:

3billion
Classification: Likely pathogenic for Cardiofaciocutaneous syndrome 3. Review status: criteria provided, single submitter. Criteria: ACMG Guidelines, 2015. Collection method: clinical testing. Allele origin: unknown. Affected: yes. Observed: 1 heterozygote.
Comment: The variant is observed at an extremely low frequency in the gnomAD v2.1.1 dataset (total allele frequency: <0.001%). The variant is located in a mutational hot spot and/or well-established functional domain in which established pathogenic variants have been reported. Missense changes are a common disease-causing mechanism. In silico tool predictions suggest damaging effect of the variant on gene or gene product (REVEL: 0.94; 3Cnet: 0.62). Therefore, this variant is classified as Likely pathogenic according to the recommendation of ACMG/AMP guideline.